The following is an entry in ClinVar:

NM_138387.4(G6PC3):c.490A>G (p.Ile164Val)

Gene: G6PC3 (glucose-6-phosphatase catalytic subunit 3; plus strand). Cytogenetic location: 17q21.31.
Variant type: single nucleotide variant.
Coding change: c.490A>G on transcript NM_138387.4 (MANE Select); coding-DNA position 490, A replaced by G.
Protein change: p.Ile164Val; replaces isoleucine 164 with valine.
Molecular consequence: missense variant. On other transcripts: intron variant (1).
Genome position (GRCh38, 1-based): chr17:44,075,042, A>G. VCF-style: chr17-44075042-A-G. GRCh37 (hg19) VCF-style: chr17-42152410-A-G.
Other names: c.145A>G, p.Ile49Val (NM_001384165.1, NM_001384166.1, NM_001384167.1 and 1 more transcripts); c.417-268A>G (NM_001319945.2); short protein forms I164V, I49V.
Identifiers: ClinVar variation 2164899 (VCV002164899.1), dbSNP rs1158260219, ClinGen allele CA399726939.
Genomic context (GRCh38, chr17:44,075,042, plus strand): 5'-GTGATGCCTAGCCTGGCTTATTGCACCTTCCTTTTGGCGGTTGGCTTGTCGCGAATCTTC[A>G]TCTTAGCACATTTCCCTCACCAGGTGCTGGCTGGCCTAATAACTGGTGAGCAACTGGGGC-3'
Protein context (NP_612396.1, residues 154-174): LLAVGLSRIF[Ile164Val]LAHFPHQVLA

ClinVar aggregate classification (germline): Uncertain significance (1 of 4 stars; one submission).

Conditions:
Autosomal recessive severe congenital neutropenia due to G6PC3 deficiency. Also called: NEUTROPENIA, SEVERE CONGENITAL, 4, AUTOSOMAL RECESSIVE; G6PC3 Deficiency. Identifiers: Orphanet 331176, MedGen C2751630, MONDO:0012930, OMIM 612541.

Allele frequency attached by ClinVar (database versions not stated): gnomAD exomes below 0.00001; TOPMed below 0.00001; gnomAD 0.00001.

Submission:

Labcorp Genetics (formerly Invitae), Labcorp
Classification: Uncertain significance for Autosomal recessive severe congenital neutropenia due to G6PC3 deficiency. Last evaluated: 2022-02-01. Review status: criteria provided, single submitter. Criteria: Invitae Variant Classification Sherloc (09022015). Collection method: clinical testing. Allele origin: germline.
Comment: This sequence change replaces isoleucine, which is neutral and non-polar, with valine, which is neutral and non-polar, at codon 164 of the G6PC3 protein (p.Ile164Val). This variant is not present in population databases (gnomAD no frequency). This variant has not been reported in the literature in individuals affected with G6PC3-related conditions. Algorithms developed to predict the effect of missense changes on protein structure and function output the following: SIFT: "Tolerated"; PolyPhen-2: "Benign"; Align-GVGD: "Class C0". The valine amino acid residue is found in multiple mammalian species, which suggests that this missense change does not adversely affect protein function. In summary, the available evidence is currently insufficient to determine the role of this variant in disease. Therefore, it has been classified as a Variant of Uncertain Significance.